The following is an entry in ClinVar:

NM_006269.2(RP1):c.6379_6380dup (p.Met2127fs)

Gene: RP1 (RP1 axonemal microtubule associated; plus strand). Cytogenetic location: 8q12.1.
Variant type: Duplication.
Coding change: c.6379_6380dup on transcript NM_006269.2 (MANE Select); coding-DNA positions 6379 to 6380, 2 bases duplicated (AT; older notation c.6379_6380dupAT).
Protein change: p.Met2127fs; shifts the reading frame from methionine 2127.
Molecular consequence: frameshift variant. On other transcripts: intron variant (1).
Genome position (GRCh38, 1-based): chr8:54,630,261-54,630,262, AT duplicated; duplicating any 2 consecutive bases within chr8:54,630,260-54,630,262 gives the same sequence; the c. name uses the placement nearest the transcript's 3' end. VCF-style (leftmost placement, unchanged base first): chr8-54630259-G-GTA. GRCh37 (hg19) VCF-style: chr8-55542819-G-GTA.
Other names: c.787+7973_787+7974dup (NM_001375654.1); short protein forms M2127fs.
Identifiers: ClinVar variation 1419259 (VCV001419259.6), dbSNP rs2129318694, ClinGen allele CA2573143178.

ClinVar aggregate classification (germline): Uncertain significance (1 of 4 stars; one submission).

Submission:

Labcorp Genetics (formerly Invitae), Labcorp
Classification: Uncertain significance. Last evaluated: 2024-06-04. Review status: criteria provided, single submitter. Criteria: Invitae Variant Classification Sherloc (09022015). Collection method: clinical testing. Allele origin: germline.
Comment: This sequence change creates a premature translational stop signal (p.Met2127Ilefs*17) in the RP1 gene. While this is not anticipated to result in nonsense mediated decay, it is expected to disrupt the last 30 amino acid(s) of the RP1 protein. This variant is not present in population databases (gnomAD no frequency). This premature translational stop signal has been observed in individual(s) with clinical features of retinitis pigmentosa (Invitae). ClinVar contains an entry for this variant (Variation ID: 1419259). In summary, the available evidence is currently insufficient to determine the role of this variant in disease. Therefore, it has been classified as a Variant of Uncertain Significance.